The following is an entry in ClinVar:

NM_022773.4(LMF1):c.1448T>G (p.Leu483Arg)

Gene: LMF1 (lipase maturation factor 1; minus strand). Cytogenetic location: 16p13.3.
Variant type: single nucleotide variant.
Coding change: c.1448T>G on transcript NM_022773.4 (MANE Select); coding-DNA position 1448, T replaced by G.
Protein change: p.Leu483Arg; replaces leucine 483 with arginine.
Molecular consequence: missense variant. On other transcripts: synonymous variant (1), non-coding transcript variant (1).
Genome position (GRCh38, 1-based): chr16:869,025, A>C on the plus strand (T>G on the coding strand, the complement: LMF1 is on the minus strand). VCF-style: chr16-869025-A-C. GRCh37 (hg19) VCF-style: chr16-919025-A-C.
Other names: c.797T>G, p.Leu266Arg (NM_001352017.2, NM_001352021.2); c.1049T>G, p.Leu350Arg (NM_001352018.2); c.1121T>G, p.Leu374Arg (NM_001352019.2); c.1368T>G, p.Pro456= (NM_001352020.1); short protein forms L374R, L350R, L266R, L483R.
Identifiers: ClinVar variation 3538670 (VCV003538670.1).
Genomic context (GRCh38, chr16:869,025, plus strand): 5'-AAGGGGTTGTGTGCCAGCAGGGACAAGGCCTCGGCGTCGCTGGCCAGGAGCTTGCCAGCC[A>C]GGTGGATGATCCAGTCGTTGTGCTCGTAGGTCTGGGAGGAGAGGTCGGGCTGGAGACGGC-3'
Protein context (NP_073610.2, residues 473-493): TYEHNDWIIH[Leu483Arg]AGKLLASDAE

ClinVar aggregate classification (germline): Uncertain significance (1 of 4 stars; one submission).

Conditions:
Cardiovascular phenotype. Identifiers: MedGen CN230736.

gnomAD v4.1: 1 of 1,612,672 alleles (0.000062%); highest among the groups gnomAD compares: South Asian, 0.0011%; no homozygotes.

Submission:

Ambry Genetics
Classification: Uncertain significance for Cardiovascular phenotype. Last evaluated: 2024-10-08. Review status: criteria provided, single submitter. Criteria: Ambry Variant Classification Scheme 2023. Collection method: clinical testing. Allele origin: germline.
Comment: The p.L483R variant (also known as c.1448T>G), located in coding exon 10 of the LMF1 gene, results from a T to G substitution at nucleotide position 1448. The leucine at codon 483 is replaced by arginine, an amino acid with dissimilar properties. This amino acid position is conserved. In addition, this alteration is predicted to be deleterious by in silico analysis. Based on the available evidence, the clinical significance of this variant remains unclear.